The following is an entry in ClinVar:

NM_001134363.3(RBM20):c.146_150delinsCCC (p.Gln49fs)

Gene: RBM20 (RNA binding motif protein 20; plus strand). Cytogenetic location: 10q25.2.
Variant type: Indel.
Coding change: c.146_150delinsCCC on transcript NM_001134363.3 (MANE Select); coding-DNA positions 146 to 150, AGCCA replaced by CCC.
Protein change: p.Gln49fs; shifts the reading frame from glutamine 49.
Molecular consequence: frameshift variant.
Genome position (GRCh38, 1-based): chr10:110,644,600-110,644,604, AGCCA replaced by CCC. VCF-style: chr10-110644600-AGCCA-CCC. GRCh37 (hg19) VCF-style: chr10-112404358-AGCCA-CCC.
Other names: short protein forms Q49fs.
Identifiers: ClinVar variation 3943630 (VCV003943630.1).
Genomic context (GRCh38, chr10:110,644,600, plus strand): 5'-CCCGGGCGTCCCCGGCACCCTCCGGCCCGCGAGGGATGCAGCAGCCGCCGCCGCCGCCCC[AGCCA>CCC]CCGCCCCCGCCCCAAGCCGGCCTACCCCAGATCATCCAAAAGTAAGAAGGGAGAAGGGAA-3'

ClinVar aggregate classification (germline): Uncertain significance (1 of 4 stars; one submission).

Conditions:
Cardiovascular phenotype. Identifiers: MedGen CN230736.

Submission:

Ambry Genetics
Classification: Uncertain significance for Cardiovascular phenotype. Last evaluated: 2025-05-22. Review status: criteria provided, single submitter. Criteria: Ambry Variant Classification Scheme 2023. Collection method: clinical testing. Allele origin: germline.
Comment: The c.146_150delAGCCAinsCCC variant, located in coding exon 1 of the RBM20 gene, results from the deletion of 5 nucleotides and insertion of 3 nucleotides causing a translational frameshift with a predicted alternate stop codon (p.Q49Pfs*29). This alteration is expected to result in loss of function by premature protein truncation or nonsense-mediated mRNA decay. However, loss of function of RBM20 has not been clearly established as a mechanism of disease. Since supporting evidence is limited at this time, the clinical significance of this alteration remains unclear.